The following is an entry in ClinVar:

NM_001079802.2(FKTN):c.1167del (p.Lys389fs)

Gene: FKTN (fukutin; plus strand). Cytogenetic location: 9q31.2.
Variant type: Deletion.
Coding change: c.1167del on transcript NM_001079802.2 (MANE Select); coding-DNA position 1167, one base deleted (A; older notation c.1167delA).
Protein change: p.Lys389fs; shifts the reading frame from lysine 389.
Molecular consequence: frameshift variant. On other transcripts: non-coding transcript variant (2).
Genome position (GRCh38, 1-based): chr9:105,620,056, A deleted; the last of 7 consecutive A bases (chr9:105,620,050-105,620,056); deleting any one gives the same sequence. VCF-style (leftmost placement, unchanged base first): chr9-105620049-GA-G. GRCh37 (hg19) VCF-style: chr9-108382330-GA-G.
Other names: c.1167delA (NM_001079802.1); c.1167del, p.Lys389fs (NM_001198963.2, NM_001351496.2, NM_001351498.2 and 1 more transcripts); c.1098del, p.Lys366fs (NM_001351497.2); c.771del, p.Lys257fs (NM_001351499.2, NM_001351500.2, NM_001351501.2 and 1 more transcripts); short protein forms K257fs, K366fs, K389fs.
Identifiers: ClinVar variation 1322920 (VCV001322920.11), dbSNP rs398123555, ClinGen allele CA589860735.

ClinVar aggregate classification (germline): Pathogenic/Likely pathogenic. Review status: criteria provided, multiple submitters, no conflicts (2 of 4 stars). 5 submissions from 5 submitters: Pathogenic (4); Likely pathogenic (1). Last evaluated 2025-10-09.

Conditions:
Cardiovascular phenotype. Identifiers: MedGen CN230736.
Walker-Warburg congenital muscular dystrophy. Also called: Muscular dystrophy-dystroglycanopathy, type A; Walker-Warburg syndrome. Identifiers: Orphanet 899, MedGen C0265221, MONDO:0000171.
Dilated cardiomyopathy 1X (CMD1X). Also called: FKTN-Related Dilated Cardiomyopathy; CARDIOMYOPATHY, DILATED, WITH MILD OR NO PROXIMAL MUSCLE WEAKNESS. Identifiers: Orphanet 154, MedGen C1969024, MONDO:0012704, OMIM 611615.

Submissions (5):

Labcorp Genetics (formerly Invitae), Labcorp
Classification: Pathogenic for Walker-Warburg congenital muscular dystrophy. Last evaluated: 2025-10-09. Review status: criteria provided, single submitter. Criteria: Invitae Variant Classification Sherloc (09022015). Collection method: clinical testing. Allele origin: germline.
Comment: This sequence change creates a premature translational stop signal (p.Lys389Asnfs*17) in the FKTN gene. While this is not anticipated to result in nonsense mediated decay, it is expected to disrupt the last 73 amino acid(s) of the FKTN protein. The frequency data for this variant in the population databases is considered unreliable, as metrics indicate poor data quality at this position in the gnomAD database. This variant has not been reported in the literature in individuals affected with FKTN-related conditions. ClinVar contains an entry for this variant (Variation ID: 1322920). This variant disrupts a region of the FKTN protein in which other variant(s) (p.Tyr392*) have been determined to be pathogenic (PMID: 22522420; internal data). This suggests that this is a clinically significant region of the protein, and that variants that disrupt it are likely to be disease-causing. For these reasons, this variant has been classified as Pathogenic.

Natera, Inc.
Classification: Likely pathogenic for Walker-Warburg congenital muscular dystrophy. Last evaluated: 2025-04-28. Review status: criteria provided, single submitter. Criteria: Natera Variant Classification Schema (03/2026). Collection method: clinical testing. Allele origin: germline.
Comment: The c.1167delA variant in FKTN is a frameshift variant predicted to shift the reading frame beginning at codon 389 and leads to a stop codon 17 codons downstream. This variant is expected to result in nonsense mediated decay, truncation, or a dysfunctional protein product. This variant is rare in the general population with a frequency below the threshold expected for the associated phenotype(s). Given the available evidence, this variant is classified as Likely Pathogenic.

Baylor Genetics
Classification: Pathogenic for Dilated cardiomyopathy 1X. Last evaluated: 2023-08-02. Review status: criteria provided, single submitter. Criteria: ACMG Guidelines, 2015. Collection method: clinical testing. Allele origin: unknown.

Ambry Genetics
Classification: Pathogenic for Cardiovascular phenotype. Last evaluated: 2022-06-01. Review status: criteria provided, single submitter. Criteria: Ambry Variant Classification Scheme 2023. Collection method: clinical testing. Allele origin: germline.
Comment: The c.1167delA pathogenic mutation, located in coding exon 8 of the FKTN gene, results from a deletion of one nucleotide at nucleotide position 1167, causing a translational frameshift with a predicted alternate stop codon (p.K389Nfs*17). This alteration occurs at the 3' terminus of theFKTN gene, is not expected to trigger nonsense-mediated mRNA decay, and impacts the last 72 amino acids (15%) of the protein. However, premature stop codons are typically deleterious in nature and a significant portion of the protein is affected (Ambry internal data). A different variant resulting in a similar protein impact (c.1167dupA, p.F390Ifs*14) has been reported in association with congenital muscular dystrophy and Walker-Warburg syndrome (Kondo-Iida E et al. Hum. Mol. Genet., 1999 Nov;8:2303-9; Chang W et al. Prenat. Diagn., 2009 Jun;29:560-9). This variant is considered to be rare based on population cohorts in the Genome Aggregation Database (gnomAD). Based on the supporting evidence, this alteration is interpreted as a disease-causing mutation.

Revvity Omics, Revvity
Classification: Pathogenic. Last evaluated: 2020-11-10. Review status: criteria provided, single submitter. Criteria: ACMG Guidelines, 2015. Collection method: clinical testing. Allele origin: germline.

Literature cited by the submitters: PubMed 22522420 (cited by Labcorp Genetics (formerly Invitae), Labcorp); PubMed 14627679 (cited by Ambry Genetics); PubMed 18834683 (cited by Ambry Genetics); PubMed 19179078 (cited by Ambry Genetics).